The following is an entry in ClinVar:

NM_001199753.2(CPT1C):c.899G>A (p.Arg300His)

Gene: CPT1C (carnitine palmitoyltransferase 1C; plus strand). Cytogenetic location: 19q13.33.
Variant type: single nucleotide variant.
Coding change: c.899G>A on transcript NM_001199753.2 (MANE Select); coding-DNA position 899, G replaced by A.
Protein change: p.Arg300His; replaces arginine 300 with histidine.
Molecular consequence: missense variant. On other transcripts: non-coding transcript variant (1).
Genome position (GRCh38, 1-based): chr19:49,705,233, G>A. VCF-style: chr19-49705233-G-A. GRCh37 (hg19) VCF-style: chr19-50208490-G-A.
Other names: c.866G>A, p.Arg289His (NM_001136052.3, NM_001378485.1, NM_001378487.1); c.899G>A, p.Arg300His (NM_001199752.3, NM_001378483.1, NM_001378484.1 and 3 more transcripts); c.965G>A, p.Arg322His (NM_001378482.1); short protein forms R289H, R300H, R322H.
Identifiers: ClinVar variation 915373 (VCV000915373.6), dbSNP rs753309074, ClinGen allele CA309512509.
Genomic context (GRCh38, chr19:49,705,233, plus strand): 5'-TGGGTCCTGGAAGGCAGCTCACAGCCCACGGTTTCCTGCAGACTTTGCTGATGGGAATGC[G>A]CCCCTTATGCTCTGCCCAGTACGAGAAGATCTTCAACACCACGCGGATTCCAGGGGTCCA-3'
Protein context (NP_001186682.1, residues 290-310): EIPPTLLMGM[Arg300His]PLCSAQYEKI

ClinVar aggregate classification (germline): Conflicting classifications of pathogenicity. Review status: criteria provided, conflicting classifications (1 of 4 stars). 2 submissions from 2 submitters: Uncertain significance (1); Likely benign (1). Last evaluated 2023-04-09.

Conditions:
Hereditary spastic paraplegia 73. Also called: Spastic paraplegia 73, autosomal dominant. Identifiers: Orphanet 444099, MedGen C5568981, MONDO:0014568, OMIM 616282.

Allele frequency attached by ClinVar (database versions not stated): gnomAD exomes below 0.00001 and 0.00004; gnomAD 0.00002; TOPMed 0.00002.
gnomAD v4.1: 54 of 1,613,922 alleles (0.0033%); highest among the groups gnomAD compares: Non-Finnish European, 0.0044%; no homozygotes.

Submissions (2):

Labcorp Genetics (formerly Invitae), Labcorp
Classification: Uncertain significance for Hereditary spastic paraplegia 73. Last evaluated: 2023-04-09. Review status: criteria provided, single submitter. Criteria: Invitae Variant Classification Sherloc (09022015). Collection method: clinical testing. Allele origin: germline.
Comment: This sequence change replaces arginine, which is basic and polar, with histidine, which is basic and polar, at codon 289 of the CPT1C protein (p.Arg289His). This variant is present in population databases (rs753309074, gnomAD 0.007%). In summary, the available evidence is currently insufficient to determine the role of this variant in disease. Therefore, it has been classified as a Variant of Uncertain Significance. Advanced modeling of protein sequence and biophysical properties (such as structural, functional, and spatial information, amino acid conservation, physicochemical variation, residue mobility, and thermodynamic stability) performed at Invitae indicates that this missense variant is not expected to disrupt CPT1C protein function. ClinVar contains an entry for this variant (Variation ID: 915373). This variant has not been reported in the literature in individuals affected with CPT1C-related conditions.

Genomic Research Center, Shahid Beheshti University of Medical Sciences
Classification: Likely benign for Hereditary spastic paraplegia 73. Last evaluated: 2020-05-03. Review status: criteria provided, single submitter. Criteria: ACMG Guidelines, 2015. Collection method: clinical testing. Allele origin: unknown. Affected: yes.